The following is an entry in ClinVar:

ClinVar aggregate classification (germline): Uncertain significance. Review status: criteria provided, multiple submitters, no conflicts (2 of 4 stars). 3 submissions from 3 submitters: Uncertain significance (3). Last evaluated 2025-11-09.

Allele frequency attached by ClinVar (database versions not stated): ExAC 0.00001; TOPMed 0.00003; gnomAD exomes below 0.00001 and 0.00002; gnomAD 0.00001; ESP Exome Variant Server 0.00008.
gnomAD v4.1: 30 of 1,604,064 alleles (0.0019%); highest among the groups gnomAD compares: Non-Finnish European, 0.002%; no homozygotes.

Submissions (3):

Mayo Clinic Laboratories, Mayo Clinic
Classification: Uncertain significance. Last evaluated: 2025-11-09. Review status: criteria provided, single submitter. Criteria: ACMG Guidelines, 2015. Collection method: clinical testing. Allele origin: germline. Observed: 1 variant allele.
Comment: PM2_supporting

Women's Health and Genetics/Laboratory Corporation of America, LabCorp
Classification: Uncertain significance. Last evaluated: 2020-12-07. Review status: criteria provided, single submitter. Criteria: LabCorp Variant Classification Summary - May 2015. Collection method: clinical testing. Allele origin: germline.
Comment: Variant summary: TTN c.46676G>C (p.Gly15559Ala) results in a non-conservative amino acid change located in the A- band region of the encoded protein sequence. Three of five in-silico tools predict a damaging effect of the variant on protein function. The variant allele was found at a frequency of 4.1e-06 in 243134 control chromosomes. The available data on variant occurrences in the general population are insufficient to allow any conclusion about variant significance. c.46676G>C has been reported in the literature in at least one individual affected with Dilated Cardiomyopathy (e.g. Minoche_2018), however the variant was reported to co-occur with a pathogenic variant in TTN (c.76116dupT, p.N25372fs), providing supporting evidence for a benign role. This report does not provide unequivocal conclusions about association of the variant with Dilated Cardiomyopathy. To our knowledge, no experimental evidence demonstrating an impact on protein function has been reported. No clinical diagnostic laboratories have submitted clinical-significance assessments for this variant to ClinVar after 2014. Based on the evidence outlined above, the variant was classified as uncertain significance.

GeneDx
Classification: Uncertain significance. Last evaluated: 2012-12-21. Review status: criteria provided, single submitter. Criteria: GeneDx Variant Classification (06012015). Collection method: clinical testing. Allele origin: germline. Affected: yes.
Comment: Missense variants in the TTN gene are considered 'unclassified' if they are not previously reported in the literature and do not have >1% frequency in the population to be considered a polymorphism. Research indicates that truncating mutations in the TTN gene are expected to account for approximately 25% of familial and 18% of sporadic idiopathic DCM; however, truncating variants in the TTN gene have been reported in approximately 3% of reported control alleles. There has been little investigation into non-truncating variants. (Herman D et al. Truncations of titin causing dilated cardiomyopathy. N Eng J Med 366:619-628, 2012) The variant is found in DCM panel(s).

Literature cited by the submitters: PubMed 29961767 (cited by Women's Health and Genetics/Laboratory Corporation of America, LabCorp).

NM_001267550.2(TTN):c.54380G>C (p.Gly18127Ala)

Genes: TTN (titin; minus strand), TTN-AS1 (TTN antisense RNA 1; plus strand). Cytogenetic location: 2q31.2.
Variant type: single nucleotide variant.
Coding change: c.54380G>C on transcript NM_001267550.2 (MANE Select); coding-DNA position 54380, G replaced by C.
Protein change: p.Gly18127Ala; replaces glycine 18127 with alanine.
Molecular consequence: missense variant.
Genome position (GRCh38, 1-based): chr2:178,604,709, C>G on the plus strand (G>C on the coding strand, the complement: TTN is on the minus strand). VCF-style: chr2-178604709-C-G. GRCh37 (hg19) VCF-style: chr2-179469436-C-G.
Other names: p.G16486A:GGG>GCG; p.Gly16486Ala; c.49457G>C, p.Gly16486Ala (NM_001256850.1); c.27185G>C, p.Gly9062Ala (NM_003319.4); c.46676G>C, p.Gly15559Ala (NM_133378.4); c.27560G>C, p.Gly9187Ala (NM_133432.3); c.27761G>C, p.Gly9254Ala (NM_133437.4); short protein forms G16486A, G18127A, G15559A, G9062A, G9187A, G9254A.
Identifiers: ClinVar variation 202713 (VCV000202713.4), dbSNP rs371971395, ClinGen allele CA310061.